The following is an entry in ClinVar:

ClinVar aggregate classification (germline): Uncertain significance (1 of 4 stars; one submission).

gnomAD v4.1: 26 of 1,614,048 alleles (0.0016%); highest among the groups gnomAD compares: Non-Finnish European, 0.002%; no homozygotes.

Submission:

GeneDx
Classification: Uncertain significance. Last evaluated: 2023-11-07. Review status: criteria provided, single submitter. Criteria: GeneDx Variant Classification Process June 2021. Collection method: clinical testing. Allele origin: germline. Affected: yes.
Comment: In silico analysis supports that this missense variant does not alter protein structure/function; Has not been previously published as pathogenic or benign to our knowledge

NM_004999.4(MYO6):c.1669C>A (p.Leu557Ile)

Gene: MYO6 (myosin VI; plus strand). Cytogenetic location: 6q14.1.
Variant type: single nucleotide variant.
Coding change: c.1669C>A on transcript NM_004999.4 (MANE Select); coding-DNA position 1669, C replaced by A.
Protein change: p.Leu557Ile; replaces leucine 557 with isoleucine.
Molecular consequence: missense variant. On other transcripts: non-coding transcript variant (1).
Genome position (GRCh38, 1-based): chr6:75,862,718, C>A. VCF-style: chr6-75862718-C-A. GRCh37 (hg19) VCF-style: chr6-76572435-C-A.
Other names: c.1669C>A, p.Leu557Ile (NM_001300899.2, NM_001368136.1, NM_001368137.1 and 2 more transcripts); c.1654C>A, p.Leu552Ile (NM_001368138.1); short protein forms L552I, L557I.
Identifiers: ClinVar variation 3363717 (VCV003363717.1).